The following is an entry in ClinVar:

NM_005732.4(RAD50):c.2756T>C (p.Leu919Ser)

Gene: RAD50 (RAD50 double strand break repair protein; plus strand). Cytogenetic location: 5q31.1.
Variant type: single nucleotide variant.
Coding change: c.2756T>C on transcript NM_005732.4 (MANE Select); coding-DNA position 2756, T replaced by C.
Protein change: p.Leu919Ser; replaces leucine 919 with serine.
Molecular consequence: missense variant.
Genome position (GRCh38, 1-based): chr5:132,608,652, T>C. VCF-style: chr5-132608652-T-C. GRCh37 (hg19) VCF-style: chr5-131944344-T-C.
Other names: short protein forms L919S.
Identifiers: ClinVar variation 240228 (VCV000240228.9), dbSNP rs878854793, ClinGen allele CA10582385.

ClinVar aggregate classification (germline): Uncertain significance (1 of 4 stars; one submission).

Conditions:
Hereditary cancer-predisposing syndrome. Also called: Neoplastic Syndromes, Hereditary; Hereditary neoplastic syndrome; Tumor predisposition; Hereditary Cancer Syndrome. Identifiers: Orphanet 140162, MedGen C0027672, MeSH D009386, MONDO:0015356.

Submission:

Labcorp Genetics (formerly Invitae), Labcorp
Classification: Uncertain significance for Hereditary cancer-predisposing syndrome. Last evaluated: 2015-11-11. Review status: criteria provided, single submitter. Criteria: Invitae Variant Classification Sherloc (09022015). Collection method: clinical testing. Allele origin: germline.
Comment: Algorithms developed to predict the effect of missense changes on protein structure and function (SIFT, PolyPhen-2, Align-GVGD) all suggest that this variant is likely to be tolerated, but these predictions have not been confirmed by published functional studies. This variant is not present in population databases (ExAC no frequency) and has not been reported in the literature. This sequence change replaces leucine with serine at codon 919 of the RAD50 protein (p.Leu919Ser). The leucine residue is moderately conserved and there is a large physicochemical difference between leucine and serine. In summary, this is a novel missense change that is not predicted to affect protein function or cause disease. However the evidence is insufficient at this time to prove that conclusively. It has been classified as a Variant of Uncertain Significance.